The following is an entry in ClinVar:

ClinVar aggregate classification (germline): Uncertain significance (1 of 4 stars; one submission).

gnomAD v4.1: 14 of 1,613,986 alleles (0.00087%); highest among the groups gnomAD compares: South Asian, 0.0077%; no homozygotes.

Submission:

Labcorp Genetics (formerly Invitae), Labcorp
Classification: Uncertain significance. Last evaluated: 2024-08-21. Review status: criteria provided, single submitter. Criteria: Invitae Variant Classification Sherloc (09022015). Collection method: clinical testing. Allele origin: germline.
Comment: This sequence change replaces arginine, which is basic and polar, with glutamine, which is neutral and polar, at codon 433 of the MTMR14 protein (p.Arg433Gln). This variant is present in population databases (rs758937216, gnomAD 0.006%). This variant has not been reported in the literature in individuals affected with MTMR14-related conditions. Invitae Evidence Modeling of protein sequence and biophysical properties (such as structural, functional, and spatial information, amino acid conservation, physicochemical variation, residue mobility, and thermodynamic stability) indicates that this missense variant is not expected to disrupt MTMR14 protein function with a negative predictive value of 80%. In summary, the available evidence is currently insufficient to determine the role of this variant in disease. Therefore, it has been classified as a Variant of Uncertain Significance.

NM_001077525.3(MTMR14):c.1298G>A (p.Arg433Gln)

Gene: MTMR14 (myotubularin related protein 14; plus strand). Cytogenetic location: 3p25.3.
Variant type: single nucleotide variant.
Coding change: c.1298G>A on transcript NM_001077525.3 (MANE Select); coding-DNA position 1298, G replaced by A.
Protein change: p.Arg433Gln; replaces arginine 433 with glutamine.
Molecular consequence: missense variant. On other transcripts: non-coding transcript variant (9).
Genome position (GRCh38, 1-based): chr3:9,688,947, G>A. VCF-style: chr3-9688947-G-A. GRCh37 (hg19) VCF-style: chr3-9730631-G-A.
Other names: c.1016G>A, p.Arg339Gln (NM_001400525.1, NM_001400529.1, NM_001400532.1); c.1292G>A, p.Arg431Gln (NM_001400526.1); c.1052G>A, p.Arg351Gln (NM_001400527.1, NM_001400530.1, NM_001400524.1); c.1223G>A, p.Arg408Gln (NM_001400528.1, NM_001400520.1, NM_001400523.1); c.1049G>A, p.Arg350Gln (NM_001400531.1); c.656G>A, p.Arg219Gln (NM_001400533.1, NM_001400534.1, NM_001400545.1 and 7 more transcripts); c.437G>A, p.Arg146Gln (NM_001400544.1, NM_001400547.1, NM_001400548.1 and 1 more transcripts); c.581G>A, p.Arg194Gln (NM_001400549.1, NM_001400538.1); and 5 more; short protein forms R339Q, R408Q, R456Q, R219Q, R314Q, R350Q, R146Q, R194Q.
Identifiers: ClinVar variation 3708229 (VCV003708229.2).